The following is an entry in ClinVar:

NM_152743.4(BRAT1):c.1771-36C>A

Gene: BRAT1 (BRCA1 associated ATM activator 1; minus strand). Cytogenetic location: 7p22.3.
Variant type: single nucleotide variant.
Coding change: c.1771-36C>A on transcript NM_152743.4 (MANE Select); 36 bases into the intron before coding-DNA position 1771, C replaced by A.
Molecular consequence: intron variant. On other transcripts: missense variant (1).
Genome position (GRCh38, 1-based): chr7:2,538,800, G>T on the plus strand (C>A on the coding strand, the complement: BRAT1 is on the minus strand). VCF-style: chr7-2538800-G-T. GRCh37 (hg19) VCF-style: chr7-2578434-G-T.
Other names: c.1915C>A, p.Pro639Thr (NM_001350626.2); c.1246-36C>A (NM_001350627.2); short protein forms P639T.
Identifiers: ClinVar variation 1266502 (VCV001266502.5), dbSNP rs4721763, ClinGen allele CA4127579.

ClinVar aggregate classification (germline): Benign. Review status: criteria provided, multiple submitters, no conflicts (2 of 4 stars). 3 submissions from 3 submitters: Benign (3). Last evaluated 2024-11-27.

Allele frequency attached by ClinVar (database versions not stated): gnomAD exomes 0.38256; ExAC 0.39192; ESP Exome Variant Server 0.43093; gnomAD 0.44596 and 0.45462; TOPMed 0.45143; 1000 Genomes Project 0.45927; 1000 Genomes Project 30x 0.46237.
gnomAD v4.1: 575,365 of 1,594,534 alleles (36%); highest among the groups gnomAD compares: African/African-American, 67%; 108,719 homozygotes.

Submissions (3):

Blueprint Genetics
Classification: Benign. Last evaluated: 2024-11-27. Review status: criteria provided, single submitter. Criteria: ACMG Guidelines, 2015. Collection method: clinical testing. Allele origin: germline.

Unidad de Genómica Garrahan, Hospital de Pediatría Garrahan
Classification: Benign. Last evaluated: 2024-07-15. Review status: criteria provided, single submitter. Criteria: ACMG Guidelines, 2015. Collection method: clinical testing. Allele origin: germline. Affected: no. Observed: 57 variant alleles.
Comment: This variant is classified as Benign based on local population frequency. This variant was detected in 61% of patients studied in a panel designed for Epileptic and Developmental Encephalopathy and Progressive Myoclonus Epilepsy. Number of patients: 57. Only high quality variants are reported.

GeneDx
Classification: Benign. Last evaluated: 2018-07-07. Review status: criteria provided, single submitter. Criteria: GeneDx Variant Classification Process June 2021. Collection method: clinical testing. Allele origin: germline. Affected: yes.